The following is an entry in ClinVar:

ClinVar aggregate classification (germline): Uncertain significance (1 of 4 stars; one submission).

gnomAD v4.1: 2 of 1,613,710 alleles (0.00012%); highest among the groups gnomAD compares: Non-Finnish European, 0.000085%; no homozygotes.

Submission:

Labcorp Genetics (formerly Invitae), Labcorp
Classification: Uncertain significance. Last evaluated: 2025-01-29. Review status: criteria provided, single submitter. Criteria: Invitae Variant Classification Sherloc (09022015). Collection method: clinical testing. Allele origin: germline.
Comment: This sequence change replaces asparagine, which is neutral and polar, with isoleucine, which is neutral and non-polar, at codon 650 of the ABCC6 protein (p.Asn650Ile). This variant is not present in population databases (gnomAD no frequency). This variant has not been reported in the literature in individuals affected with ABCC6-related conditions. Invitae Evidence Modeling of protein sequence and biophysical properties (such as structural, functional, and spatial information, amino acid conservation, physicochemical variation, residue mobility, and thermodynamic stability) indicates that this missense variant is expected to disrupt ABCC6 protein function with a positive predictive value of 95%. In summary, the available evidence is currently insufficient to determine the role of this variant in disease. Therefore, it has been classified as a Variant of Uncertain Significance.

NM_001171.6(ABCC6):c.1949A>T (p.Asn650Ile)

Gene: ABCC6 (ATP binding cassette subfamily C member 6; minus strand). Cytogenetic location: 16p13.11.
Variant type: single nucleotide variant.
Coding change: c.1949A>T on transcript NM_001171.6 (MANE Select); coding-DNA position 1949, A replaced by T.
Protein change: p.Asn650Ile; replaces asparagine 650 with isoleucine.
Molecular consequence: missense variant. On other transcripts: non-coding transcript variant (1).
Genome position (GRCh38, 1-based): chr16:16,182,925, T>A on the plus strand (A>T on the coding strand, the complement: ABCC6 is on the minus strand). VCF-style: chr16-16182925-T-A. GRCh37 (hg19) VCF-style: chr16-16276782-T-A.
Other names: c.1607A>T, p.Asn536Ile (NM_001351800.1); short protein forms N650I, N536I.
Identifiers: ClinVar variation 3719369 (VCV003719369.2).